The following is an entry in ClinVar:

NM_007294.4(BRCA1):c.369T>A (p.Ser123=)

Gene: BRCA1 (BRCA1 DNA repair associated; minus strand). Cytogenetic location: 17q21.31.
Variant type: single nucleotide variant.
Coding change: c.369T>A on transcript NM_007294.4 (MANE Select); coding-DNA position 369, T replaced by A.
Protein change: p.Ser123=; no amino-acid change (serine 123 retained).
Molecular consequence: synonymous variant. On other transcripts: 5 prime UTR variant (7), intron variant (2).
Genome position (GRCh38, 1-based): chr17:43,104,194, A>T on the plus strand (T>A on the coding strand, the complement: BRCA1 is on the minus strand). VCF-style: chr17-43104194-A-T. GRCh37 (hg19) VCF-style: chr17-41256211-A-T.
Other names: c.159T>A, p.Ser53= (NM_001407571.1, NM_001407853.1, NM_001407879.1 and 58 more transcripts); c.369T>A, p.Ser123= (NM_001407581.1, NM_001407582.1, NM_001407583.1 and 165 more transcripts); c.360T>A, p.Ser120= (NM_001407646.1, NM_001407647.1, NM_001408408.1); c.291T>A, p.Ser97= (NM_001407653.1, NM_001407654.1, NM_001407655.1 and 21 more transcripts); c.228T>A, p.Ser76= (NM_001407692.1, NM_001407694.1, NM_001407695.1 and 99 more transcripts); c.-13T>A (NM_001407959.1, NM_001407960.1, NM_001407962.1 and 4 more transcripts); c.237T>A, p.Ser79= (NM_001408451.1); c.-218-9334T>A (NM_001407967.1, NM_001407966.1).
Identifiers: ClinVar variation 427329 (VCV000427329.23), dbSNP rs774583925, ClinGen allele CA055796.
Genomic context (GRCh38, chr17:43,104,194, plus strand): 5'-TTCGGGTTCACTCTGTAGAAGTCTTTTGGCACGGTTTCTGTAGCCCATACTTTGGATGAT[A>T]GAAACTTCATCTTTTAGATGTTCAGGAGAGTTATTTTCCTTTTTTGCAAAATTATAGCTG-3'
Protein context (NP_009225.1, residues 113-133): NSPEHLKDEV[Ser123=]IIQSMGYRNR

ClinVar aggregate classification (germline): Likely benign. Review status: reviewed by expert panel (3 of 4 stars). 6 submissions from 6 submitters: Likely benign (1). 5 of the submissions do not count toward it. Last evaluated 2017-06-29.

Conditions:
Hereditary cancer-predisposing syndrome. Also called: Neoplastic Syndromes, Hereditary; Hereditary neoplastic syndrome; Tumor predisposition; Hereditary Cancer Syndrome. Identifiers: Orphanet 140162, MedGen C0027672, MeSH D009386, MONDO:0015356.
Hereditary breast ovarian cancer syndrome. Also called: Hereditary breast and ovarian cancer syndrome (HBOC); BRCA1- and BRCA2-Associated Hereditary Breast and Ovarian Cancer; Hereditary breast and/or ovarian cancer syndrome; Hereditary breast and ovarian cancer syndrome; Hereditary breast and ovarian cancer; Breast and ovarian cancer. Identifiers: Orphanet 145, MedGen C0677776, MeSH D061325, MONDO:0003582. Disease mechanism: loss of function.
Breast-ovarian cancer, familial, susceptibility to, 1 (BROVCA1). Also called: BRCA1 Hereditary Breast and Ovarian Cancer; OVARIAN CANCER, SUSCEPTIBILITY TO. Identifiers: Orphanet 145, MedGen C2676676, MONDO:0011450, OMIM 604370. Disease mechanism: loss of function.

Allele frequency attached by ClinVar (database versions not stated): TOPMed below 0.00001; gnomAD exomes 0.00001 and 0.00002; ExAC 0.00004.
gnomAD v4.1: 7 of 1,613,940 alleles (0.00043%); highest among the groups gnomAD compares: Admixed American, 0.012%; 1 homozygote.

Submissions (6):

Evidence-based Network for the Interpretation of Germline Mutant Alleles (ENIGMA)
Classification: Likely benign for Breast-ovarian cancer, familial, susceptibility to, 1. Last evaluated: 2017-06-29. Review status: reviewed by expert panel. Criteria: ENIGMA BRCA1/2 Classification Criteria (2017-06-29). Collection method: curation. Allele origin: germline.
Comment: Synonymous substitution variant, with low bioinformatic likelihood to result in a splicing aberration (Splicing prior probability 0.02).

Labcorp Genetics (formerly Invitae), Labcorp
Classification: Likely benign for Hereditary breast ovarian cancer syndrome. Last evaluated: 2025-11-09. Review status: criteria provided, single submitter. Criteria: Invitae Variant Classification Sherloc (09022015). Collection method: clinical testing. Allele origin: germline. Not counted in ClinVar's aggregate classification.

All of Us Research Program, National Institutes of Health
Classification: Likely benign for Breast-ovarian cancer, familial, susceptibility to, 1. Last evaluated: 2023-06-26. Review status: criteria provided, single submitter. Criteria: ACMG Guidelines, 2015. Collection method: clinical testing. Allele origin: germline. Inheritance: Autosomal dominant inheritance. Observed: 1 variant allele, 1 heterozygote. Not counted in ClinVar's aggregate classification.
Comment: This study involves interpretation of variants in research participants for the purpose of population health screening. Participant phenotype was not available at the time of variant classification. Additional details can be found in publication PMID: 35346344, PMCID: PMC8962531

Quest Diagnostics Nichols Institute San Juan Capistrano
Classification: Likely benign. Last evaluated: 2020-09-29. Review status: criteria provided, single submitter. Criteria: Quest Diagnostics criteria. Collection method: clinical testing. Allele origin: unknown. Not counted in ClinVar's aggregate classification.

Color Diagnostics, LLC DBA Color Health
Classification: Likely benign for Hereditary cancer-predisposing syndrome. Last evaluated: 2019-03-19. Review status: criteria provided, single submitter. Criteria: ACMG Guidelines, 2015. Collection method: clinical testing. Allele origin: germline. Not counted in ClinVar's aggregate classification.

Ambry Genetics
Classification: Likely benign for Hereditary cancer-predisposing syndrome. Last evaluated: 2016-05-13. Review status: criteria provided, single submitter. Criteria: Ambry Variant Classification Scheme 2023. Collection method: clinical testing. Allele origin: germline. Not counted in ClinVar's aggregate classification.